The following is an entry in ClinVar:

NM_002471.4(MYH6):c.5341C>A (p.Leu1781Met)

Gene: MYH6 (myosin heavy chain 6; minus strand). Cytogenetic location: 14q11.2.
Variant type: single nucleotide variant.
Coding change: c.5341C>A on transcript NM_002471.4 (MANE Select); coding-DNA position 5341, C replaced by A.
Protein change: p.Leu1781Met; replaces leucine 1781 with methionine.
Molecular consequence: missense variant.
Genome position (GRCh38, 1-based): chr14:23,384,666, G>T on the plus strand (C>A on the coding strand, the complement: MYH6 is on the minus strand). VCF-style: chr14-23384666-G-T. GRCh37 (hg19) VCF-style: chr14-23853875-G-T.
Other names: short protein forms L1781M.
Identifiers: ClinVar variation 1046641 (VCV001046641.9), dbSNP rs747585087, ClinGen allele CA7114453.
Genomic context (GRCh38, chr14:23,384,666, plus strand): 5'-CGTCCAGCCGGTGCTGCAGGTCCTTAATGGTCTGCTCCATGTTCTTCTTCATGCGCTCCA[G>T]GTGGGCGCTGGTGTCCTGCTCCTTCTTCAGCTCCTCTGCCATCATGGCGGCCTGTGTGCA-3'
Protein context (NP_002462.2, residues 1771-1791): LKKEQDTSAH[Leu1781Met]ERMKKNMEQT

ClinVar aggregate classification (germline): Uncertain significance. Review status: criteria provided, multiple submitters, no conflicts (2 of 4 stars). 2 submissions from 2 submitters: Uncertain significance (2). Last evaluated 2025-06-02.

Conditions:
Sick sinus syndrome 3, susceptibility to (SSS3). Identifiers: Orphanet 166282, MedGen C3279791, MONDO:0013568, OMIM 614090.
Hypertrophic cardiomyopathy 1 (CMH1). Also called: Familial hypertrophic cardiomyopathy 1; MYH7-Related Familial Hypertrophic Cardiomyopathy. Identifiers: MedGen C3495498, MONDO:0008647, OMIM 192600.
Atrial septal defect 3 (ASD3). Identifiers: Orphanet 1478, MedGen C3279790, MONDO:0013567, OMIM 614089.
Dilated cardiomyopathy 1EE (CMD1EE). Identifiers: Orphanet 154, MedGen C2750466, MONDO:0013198, OMIM 613252.
Hypertrophic cardiomyopathy 14. Identifiers: MedGen C2750467, MONDO:0013197, OMIM 613251.

Allele frequency attached by ClinVar (database versions not stated): ExAC 0.00001; gnomAD exomes 0.00002; TOPMed 0.00002.
gnomAD v4.1: 5 of 1,614,236 alleles (0.00031%); highest among the groups gnomAD compares: Admixed American, 0.0083%; no homozygotes.

Submissions (2):

Labcorp Genetics (formerly Invitae), Labcorp
Classification: Uncertain significance for Hypertrophic cardiomyopathy 14. Last evaluated: 2025-06-02. Review status: criteria provided, single submitter. Criteria: Invitae Variant Classification Sherloc (09022015). Collection method: clinical testing. Allele origin: germline.
Comment: This sequence change replaces leucine, which is neutral and non-polar, with methionine, which is neutral and non-polar, at codon 1781 of the MYH6 protein (p.Leu1781Met). This variant is present in population databases (rs747585087, gnomAD 0.006%). This variant has not been reported in the literature in individuals affected with MYH6-related conditions. ClinVar contains an entry for this variant (Variation ID: 1046641). Invitae Evidence Modeling of protein sequence and biophysical properties (such as structural, functional, and spatial information, amino acid conservation, physicochemical variation, residue mobility, and thermodynamic stability) indicates that this missense variant is not expected to disrupt MYH6 protein function with a negative predictive value of 80%. In summary, the available evidence is currently insufficient to determine the role of this variant in disease. Therefore, it has been classified as a Variant of Uncertain Significance.

Fulgent Genetics
Classification: Uncertain significance for Hypertrophic cardiomyopathy 1; Hypertrophic cardiomyopathy 14; Dilated cardiomyopathy 1EE; Atrial septal defect 3; Sick sinus syndrome 3, susceptibility to. Last evaluated: 2022-02-01. Review status: criteria provided, single submitter. Criteria: ACMG Guidelines, 2015. Collection method: clinical testing. Allele origin: unknown.